The following is an entry in ClinVar:

NM_000138.5(FBN1):c.5423-5C>T

Gene: FBN1 (fibrillin 1; minus strand). Cytogenetic location: 15q21.1.
Variant type: single nucleotide variant.
Coding change: c.5423-5C>T on transcript NM_000138.5 (MANE Select); 5 bases into the intron before coding-DNA position 5423, C replaced by T.
Molecular consequence: intron variant.
Genome position (GRCh38, 1-based): chr15:48,452,689, G>A on the plus strand (C>T on the coding strand, the complement: FBN1 is on the minus strand). VCF-style: chr15-48452689-G-A. GRCh37 (hg19) VCF-style: chr15-48744886-G-A.
Other names: c.5423-5C>T (NM_000138.4).
Identifiers: ClinVar variation 1343841 (VCV001343841.42), dbSNP rs368750818, ClinGen allele CA054956.

ClinVar aggregate classification (germline): Conflicting classifications of pathogenicity. Review status: criteria provided, conflicting classifications (1 of 4 stars). 7 submissions from 7 submitters: Uncertain significance (1); Likely benign (6). Last evaluated 2025-06-22.

Conditions:
Familial thoracic aortic aneurysm and aortic dissection (TAAD). Also called: Thoracic aortic aneurysms and dissections. Identifiers: Orphanet 91387, MedGen C4707243, MONDO:0019625.
Marfan syndrome (MFS). Also called: Marfan's syndrome; MARFAN SYNDROME, TYPE I; Marfan syndrome type 1; Marfan syndrome, classic; FBN1-Related Marfan Syndrome. Identifiers: Orphanet 284963, Orphanet 558, MedGen C0024796, MONDO:0007947, OMIM 154700.

Allele frequency attached by ClinVar (database versions not stated): gnomAD exomes below 0.00001 and 0.00001; ExAC 0.00001; gnomAD 0.00002; TOPMed 0.00002; ESP Exome Variant Server 0.00008.
gnomAD v4.1: 16 of 1,613,696 alleles (0.00099%); highest among the groups gnomAD compares: African/African-American, 0.008%; no homozygotes.

Submissions (7):

Labcorp Genetics (formerly Invitae), Labcorp
Classification: Likely benign for Marfan syndrome; Familial thoracic aortic aneurysm and aortic dissection. Last evaluated: 2025-06-22. Review status: criteria provided, single submitter. Criteria: Invitae Variant Classification Sherloc (09022015). Collection method: clinical testing. Allele origin: germline.

Ambry Genetics
Classification: Uncertain significance for Familial thoracic aortic aneurysm and aortic dissection. Last evaluated: 2024-06-11. Review status: criteria provided, single submitter. Criteria: Ambry Variant Classification Scheme 2023. Collection method: clinical testing. Allele origin: germline.
Comment: The c.5423-5C>T intronic variant results from a C to T substitution 5 nucleotides upstream from coding exon 44 in the FBN1 gene. This nucleotide position is poorly conserved in available vertebrate species. In silico splice site analysis predicts that this alteration will not have any significant effect on splicing. Based on the available evidence, the clinical significance of this variant remains unclear.

All of Us Research Program, National Institutes of Health
Classification: Likely benign for Marfan syndrome. Last evaluated: 2023-06-26. Review status: criteria provided, single submitter. Criteria: ACMG Guidelines, 2015. Collection method: clinical testing. Allele origin: germline. Inheritance: Autosomal dominant inheritance. Observed: 1 variant allele, 1 heterozygote.
Comment: This study involves interpretation of variants in research participants for the purpose of population health screening. Participant phenotype was not available at the time of variant classification. Additional details can be found in publication PMID: 35346344, PMCID: PMC8962531

CeGaT Center for Human Genetics Tuebingen
Classification: Likely benign. Last evaluated: 2023-01-01. Review status: criteria provided, single submitter. Criteria: CeGaT Center For Human Genetics Tuebingen Variant Classification Criteria Version 2. Collection method: clinical testing. Allele origin: germline. Affected: yes. Observed: 1 variant allele.
Comment: FBN1: BP4

Blueprint Genetics
Classification: Likely benign. Last evaluated: 2022-12-30. Review status: criteria provided, single submitter. Criteria: ACMG Guidelines, 2015. Collection method: clinical testing. Allele origin: germline.

Color Diagnostics, LLC DBA Color Health
Classification: Likely benign for Familial thoracic aortic aneurysm and aortic dissection. Last evaluated: 2022-11-16. Review status: criteria provided, single submitter. Criteria: ACMG Guidelines, 2015. Collection method: clinical testing. Allele origin: germline.

GeneDx
Classification: Likely benign. Last evaluated: 2021-09-13. Review status: criteria provided, single submitter. Criteria: GeneDx Variant Classification Process June 2021. Collection method: clinical testing. Allele origin: germline. Affected: yes.